The following is an entry in ClinVar:

NM_014491.4(FOXP2):c.559C>T (p.Gln187Ter)

Gene: FOXP2 (forkhead box P2; plus strand). Cytogenetic location: 7q31.1.
Variant type: single nucleotide variant.
Coding change: c.559C>T on transcript NM_014491.4 (MANE Select); coding-DNA position 559, C replaced by T.
Protein change: p.Gln187Ter; replaces glutamine 187 with a stop codon.
Molecular consequence: nonsense. On other transcripts: non-coding transcript variant (2).
Genome position (GRCh38, 1-based): chr7:114,629,967, C>T. VCF-style: chr7-114629967-C-T. GRCh37 (hg19) VCF-style: chr7-114270022-C-T.
Other names: c.559C>T, p.Gln187Ter (NM_001172766.3, NM_148899.3); c.634C>T, p.Gln212Ter (NM_001172767.2, NM_148898.4); c.610C>T, p.Gln204Ter (NM_148900.4); c.559C>T (NM_014491.3); short protein forms Q187*, Q204*, Q212*.
Identifiers: ClinVar variation 1098279 (VCV001098279.2), dbSNP rs2129327570, ClinGen allele CA368962328.

ClinVar aggregate classification (germline): Pathogenic. Review status: criteria provided, multiple submitters, no conflicts (2 of 4 stars). 2 submissions from 2 submitters: Pathogenic (2). Last evaluated 2025-07-16.

Conditions:
Childhood apraxia of speech (SPCH1). Also called: SPEECH AND LANGUAGE DISORDER WITH OROFACIAL DYSPRAXIA; DEVELOPMENTAL VERBAL DYSPRAXIA; FOXP2-Related Speech and Language Disorder; Speech language disorder. Identifiers: Orphanet 209908, MedGen C0750927, MONDO:0011184, OMIM 602081.
Inborn genetic diseases. Identifiers: MedGen C0950123, MeSH D030342.

Submissions (2):

Ambry Genetics
Classification: Pathogenic for Inborn genetic diseases. Last evaluated: 2025-07-16. Review status: criteria provided, single submitter. Criteria: Ambry Variant Classification Scheme 2023. Collection method: clinical testing. Allele origin: germline.
Comment: The c.559C>T (p.Q187*) alteration, located in exon 5 (coding exon 4) of the FOXP2 gene, consists of a C to T substitution at nucleotide position 559. This changes the amino acid from a glutamine (Q) to a stop codon at amino acid position 187. This alteration is expected to result in loss of function by premature protein truncation or nonsense-mediated mRNA decay. This variant was not reported in population-based cohorts in the Genome Aggregation Database (gnomAD). This variant was determined to be de novo in at least one individual with features consistent with FOXP2-related speech-language disorder (Zhai, 2021). Based on the available evidence, this alteration is classified as pathogenic.

Genetics and Prenatal Diagnosis Center, The First Affiliated Hospital of Zhengzhou University
Classification: Pathogenic for Childhood apraxia of speech. Last evaluated: 2021-05-13. Review status: criteria provided, single submitter. Criteria: ACMG Guidelines, 2015. Collection method: clinical testing. Allele origin: de novo. Affected: yes.

Literature cited by the submitters: PubMed 34015165 (cited by Ambry Genetics).